The following is an entry in ClinVar:

ClinVar aggregate classification (germline): Uncertain significance (1 of 4 stars; one submission).

Conditions:
Inborn genetic diseases. Identifiers: MedGen C0950123, MeSH D030342.

gnomAD v4.1: 2 of 1,614,036 alleles (0.00012%); highest among the groups gnomAD compares: Admixed American, 0.0033%; no homozygotes.

Submission:

Ambry Genetics
Classification: Uncertain significance for Inborn genetic diseases. Last evaluated: 2025-03-28. Review status: criteria provided, single submitter. Criteria: Ambry Variant Classification Scheme 2023. Collection method: clinical testing. Allele origin: germline.
Comment: The p.P739L variant (also known as c.2216C>T), located in coding exon 12 of the BMPR2 gene, results from a C to T substitution at nucleotide position 2216. The proline at codon 739 is replaced by leucine, an amino acid with similar properties. This amino acid position is conserved. In addition, the in silico prediction for this alteration is inconclusive. Based on the available evidence, the clinical significance of this variant remains unclear.

NM_001204.7(BMPR2):c.2216C>T (p.Pro739Leu)

Gene: BMPR2 (bone morphogenetic protein receptor type 2; plus strand). Cytogenetic location: 2q33.2.
Variant type: single nucleotide variant.
Coding change: c.2216C>T on transcript NM_001204.7 (MANE Select); coding-DNA position 2216, C replaced by T.
Protein change: p.Pro739Leu; replaces proline 739 with leucine.
Molecular consequence: missense variant.
Genome position (GRCh38, 1-based): chr2:202,555,881, C>T. VCF-style: chr2-202555881-C-T. GRCh37 (hg19) VCF-style: chr2-203420604-C-T.
Other names: short protein forms P739L.
Identifiers: ClinVar variation 3992071 (VCV003992071.1).